The following is an entry in ClinVar:

ClinVar aggregate classification (germline): Benign/Likely benign. Review status: criteria provided, multiple submitters, no conflicts (2 of 4 stars). 5 submissions from 5 submitters: Benign (1); Likely benign (4). Last evaluated 2025-12-13.

Conditions:
Multiple cutaneous and mucosal venous malformations (VMCM). Also called: TEK-Related Multiple Cutaneous and Mucosal Venous Malformations (VMCM). Identifiers: Orphanet 2451, MedGen C1838437, MONDO:0010842, OMIM 600195.

Allele frequency attached by ClinVar (database versions not stated): ExAC 0.00029; TOPMed 0.00020; 1000 Genomes Project 0.00120; gnomAD 0.00006; 1000 Genomes Project 30x 0.00109; ESP Exome Variant Server 0.00015; gnomAD exomes 0.00035.
gnomAD v4.1: 308 of 1,613,690 alleles (0.019%); highest among the groups gnomAD compares: Admixed American, 0.22%; 2 homozygotes.

Submissions (5):

Labcorp Genetics (formerly Invitae), Labcorp
Classification: Likely benign. Last evaluated: 2025-12-13. Review status: criteria provided, single submitter. Criteria: Invitae Variant Classification Sherloc (09022015). Collection method: clinical testing. Allele origin: germline.

Mayo Clinic Laboratories, Mayo Clinic
Classification: Likely benign. Last evaluated: 2025-07-20. Review status: criteria provided, single submitter. Criteria: ACMG Guidelines, 2015. Collection method: clinical testing. Allele origin: germline. Observed: 1 variant allele.
Comment: BS1, BP4_moderate

ARUP Laboratories, Molecular Genetics and Genomics, ARUP Laboratories
Classification: Likely benign. Last evaluated: 2023-11-28. Review status: criteria provided, single submitter. Criteria: ARUP Molecular Germline Variant Investigation Process 2024. Collection method: clinical testing. Allele origin: germline.

Illumina Laboratory Services, Illumina
Classification: Benign for Multiple cutaneous and mucosal venous malformations. Last evaluated: 2018-01-13. Review status: criteria provided, single submitter. Criteria: ICSL Variant Classification Criteria 13 December 2019. Collection method: clinical testing. Allele origin: germline.
Comment: This variant was observed in the ICSL laboratory as part of a predisposition screen in an ostensibly healthy population. It had not been previously curated by ICSL or reported in the Human Gene Mutation Database (HGMD: prior to June 1st, 2018), and was therefore a candidate for classification through an automated scoring system. Utilizing variant allele frequency, disease prevalence and penetrance estimates, and inheritance mode, an automated score was calculated to assess if this variant is too frequent to cause the disease. Based on the score and internal cut-off values, a variant classified as benign is not then subjected to further curation. The score for this variant resulted in a classification of benign for this disease.

Breakthrough Genomics
Classification: Likely benign. Review status: criteria provided, single submitter. Criteria: ACMG Guidelines, 2015. Collection method: not provided. Allele origin: germline. Inheritance: Autosomal dominant inheritance. Affected: yes.

Literature cited by the submitters: PubMed 35190550 (cited by Mayo Clinic Laboratories, Mayo Clinic).

NM_000459.5(TEK):c.1313A>G (p.Asn438Ser)

Gene: TEK (TEK receptor tyrosine kinase; plus strand). Cytogenetic location: 9p21.2.
Variant type: single nucleotide variant.
Coding change: c.1313A>G on transcript NM_000459.5 (MANE Select); coding-DNA position 1313, A replaced by G.
Protein change: p.Asn438Ser; replaces asparagine 438 with serine.
Molecular consequence: missense variant.
Genome position (GRCh38, 1-based): chr9:27,185,615, A>G. VCF-style: chr9-27185615-A-G. GRCh37 (hg19) VCF-style: chr9-27185613-A-G.
Other names: c.1184A>G, p.Asn395Ser (NM_001290077.2, NM_001375476.1); c.872A>G, p.Asn291Ser (NM_001290078.2); c.1313A>G, p.Asn438Ser (NM_001375475.1); short protein forms N438S, N291S, N395S.
Identifiers: ClinVar variation 618424 (VCV000618424.21), dbSNP rs189543659, ClinGen allele CA5016199.